The following is an entry in ClinVar:

ClinVar aggregate classification (germline): Benign/Likely benign. Review status: criteria provided, multiple submitters, no conflicts (2 of 4 stars). 3 submissions from 3 submitters: Benign (2); Likely benign (1). Last evaluated 2025-11-24.

Allele frequency attached by ClinVar (database versions not stated): ESP Exome Variant Server 0.00024; 1000 Genomes Project 30x 0.00047; 1000 Genomes Project 0.00060; TOPMed 0.00076; gnomAD 0.00081; gnomAD exomes 0.00083 and 0.00109; ExAC 0.00110.
gnomAD v4.1: 1,375 of 1,613,526 alleles (0.085%); highest among the groups gnomAD compares: Middle Eastern, 1.2%; 3 homozygotes.

Submissions (3):

Labcorp Genetics (formerly Invitae), Labcorp
Classification: Benign. Last evaluated: 2025-11-24. Review status: criteria provided, single submitter. Criteria: Invitae Variant Classification Sherloc (09022015). Collection method: clinical testing. Allele origin: germline.

Blueprint Genetics
Classification: Benign. Last evaluated: 2024-11-11. Review status: criteria provided, single submitter. Criteria: ACMG Guidelines, 2015. Collection method: clinical testing. Allele origin: germline.

CeGaT Center for Human Genetics Tuebingen
Classification: Likely benign. Last evaluated: 2024-01-01. Review status: criteria provided, single submitter. Criteria: CeGaT Center For Human Genetics Tuebingen Variant Classification Criteria Version 2. Collection method: clinical testing. Allele origin: germline. Affected: yes. Observed: 3 variant alleles.
Comment: SLC44A4: BP4, BP7

NM_025257.3(SLC44A4):c.1545C>T (p.Ala515=)

Gene: SLC44A4 (solute carrier family 44 member 4; minus strand). Cytogenetic location: 6p21.33.
Variant type: single nucleotide variant.
Coding change: c.1545C>T on transcript NM_025257.3 (MANE Select); coding-DNA position 1545, C replaced by T.
Protein change: p.Ala515=; no amino-acid change (alanine 515 retained).
Molecular consequence: synonymous variant.
Genome position (GRCh38, 1-based): chr6:31,865,727, G>A on the plus strand (C>T on the coding strand, the complement: SLC44A4 is on the minus strand). VCF-style: chr6-31865727-G-A. GRCh37 (hg19) VCF-style: chr6-31833504-G-A.
Other names: c.1419C>T, p.Ala473= (NM_001178044.2); c.1317C>T, p.Ala439= (NM_001178045.2).
Identifiers: ClinVar variation 1560438 (VCV001560438.32), dbSNP rs34418207, ClinGen allele CA3725369.
Genomic context (GRCh38, chr6:31,865,727, plus strand): 5'-TCCTACTCCGACTCCAGACTCACCTCTGAGCTTGTGGTCAATATACTCCAAGATGACCCG[G>A]GCTATCTGCACAAGGGTCAGGATGAGGGCTCCAAATGCCAATGACCCAGTGTGGTAACTG-3'
Protein context (NP_079533.2, residues 505-525): GALILTLVQI[Ala515=]RVILEYIDHK